The following is an entry in ClinVar:

ClinVar aggregate classification (germline): Uncertain significance (1 of 4 stars; one submission).

Conditions:
Congenital contractural arachnodactyly (CCA). Also called: Arthrogryposis, distal, type 9; BEALS SYNDROME; Beals-Hecht syndrome. Identifiers: Orphanet 115, MedGen C0220668, MONDO:0007363, OMIM 121050.

gnomAD v4.1: 3 of 1,614,162 alleles (0.00019%); highest among the groups gnomAD compares: South Asian, 0.0011%; no homozygotes.

Submission:

Labcorp Genetics (formerly Invitae), Labcorp
Classification: Uncertain significance for Congenital contractural arachnodactyly. Last evaluated: 2025-06-03. Review status: criteria provided, single submitter. Criteria: Invitae Variant Classification Sherloc (09022015). Collection method: clinical testing. Allele origin: germline.
Comment: This sequence change replaces valine, which is neutral and non-polar, with isoleucine, which is neutral and non-polar, at codon 220 of the FBN2 protein (p.Val220Ile). This variant is not present in population databases (gnomAD no frequency). This variant has not been reported in the literature in individuals affected with FBN2-related conditions. Invitae Evidence Modeling of protein sequence and biophysical properties (such as structural, functional, and spatial information, amino acid conservation, physicochemical variation, residue mobility, and thermodynamic stability) has been performed for this missense variant. However, the output from this modeling did not meet the statistical confidence thresholds required to predict the impact of this variant on FBN2 protein function. In summary, the available evidence is currently insufficient to determine the role of this variant in disease. Therefore, it has been classified as a Variant of Uncertain Significance.

NM_001999.4(FBN2):c.658G>A (p.Val220Ile)

Gene: FBN2 (fibrillin 2; minus strand). Cytogenetic location: 5q23.3.
Variant type: single nucleotide variant.
Coding change: c.658G>A on transcript NM_001999.4 (MANE Select); coding-DNA position 658, G replaced by A.
Protein change: p.Val220Ile; replaces valine 220 with isoleucine.
Molecular consequence: missense variant.
Genome position (GRCh38, 1-based): chr5:128,464,892, C>T on the plus strand (G>A on the coding strand, the complement: FBN2 is on the minus strand). VCF-style: chr5-128464892-C-T. GRCh37 (hg19) VCF-style: chr5-127800585-C-T.
Other names: short protein forms V220I.
Identifiers: ClinVar variation 4706304 (VCV004706304.1).